The following is an entry in ClinVar:

NM_000093.5(COL5A1):c.2329C>A (p.Gln777Lys)

Gene: COL5A1 (collagen type V alpha 1 chain; plus strand). Cytogenetic location: 9q34.3.
Variant type: single nucleotide variant.
Coding change: c.2329C>A on transcript NM_000093.5 (MANE Select); coding-DNA position 2329, C replaced by A.
Protein change: p.Gln777Lys; replaces glutamine 777 with lysine.
Molecular consequence: missense variant.
Genome position (GRCh38, 1-based): chr9:134,772,832, C>A. VCF-style: chr9-134772832-C-A. GRCh37 (hg19) VCF-style: chr9-137664678-C-A.
Other names: p.Gln777Lys; c.2329C>A, p.Gln777Lys (NM_001278074.1); c.2329C>A (NM_000093.3); short protein forms Q777K.
Identifiers: ClinVar variation 3379935 (VCV003379935.2).

ClinVar aggregate classification (germline): Uncertain significance. Review status: criteria provided, multiple submitters, no conflicts (2 of 4 stars). 2 submissions from 2 submitters: Uncertain significance (2). Last evaluated 2024-05-21.

Submissions (2):

GeneDx
Classification: Uncertain significance. Last evaluated: 2024-05-21. Review status: criteria provided, single submitter. Criteria: GeneDx Variant Classification Process June 2021. Collection method: clinical testing. Allele origin: germline. Affected: yes.
Comment: Has not been previously published as pathogenic or benign to our knowledge; Not observed at significant frequency in large population cohorts (gnomAD); Occurs in the triple helical domain at the Y position in the canonical Gly-X-Y repeat; although this variant may have an effect on normal protein folding and function, missense substitution at the Y position is not a common mechanism of disease (PMID: 22696272; HGMD); In silico analysis indicates that this missense variant does not alter protein structure/function; In silico analysis supports a deleterious effect on splicing; This variant is associated with the following publications: (PMID: 22696272)

Mayo Clinic Laboratories, Mayo Clinic
Classification: Uncertain significance. Last evaluated: 2024-04-12. Review status: criteria provided, single submitter. Criteria: ACMG Guidelines, 2015. Collection method: clinical testing. Allele origin: germline. Observed: 1 variant allele.
Comment: PP3, PM2